The following is an entry in ClinVar:

ClinVar aggregate classification (germline): Pathogenic/Likely pathogenic. Review status: criteria provided, multiple submitters, no conflicts (2 of 4 stars). 3 submissions from 3 submitters: Pathogenic (1); Likely pathogenic (2). Last evaluated 2024-03-17.

Conditions:
Pili torti-deafness syndrome (BJS). Also called: Bjornstad syndrome; PILI TORTI AND NERVE DEAFNESS. Identifiers: Orphanet 123, MedGen C0266006, MONDO:0009872, OMIM 262000.

Allele frequency attached by ClinVar (database versions not stated): gnomAD 0.00001.
gnomAD v4.1: 1 of 1,614,014 alleles (0.000062%); highest among the groups gnomAD compares: South Asian, 0.0011%; no homozygotes.

Submissions (3):

Baylor Genetics
Classification: Likely pathogenic for Pili torti-deafness syndrome. Last evaluated: 2024-03-17. Review status: criteria provided, single submitter. Criteria: ACMG Guidelines, 2015. Collection method: clinical testing. Allele origin: unknown.

Revvity Omics, Revvity
Classification: Likely pathogenic. Last evaluated: 2023-08-23. Review status: criteria provided, single submitter. Criteria: ACMG Guidelines, 2015. Collection method: clinical testing. Allele origin: germline.

Labcorp Genetics (formerly Invitae), Labcorp
Classification: Pathogenic. Last evaluated: 2021-02-16. Review status: criteria provided, single submitter. Criteria: Invitae Variant Classification Sherloc (09022015). Collection method: clinical testing. Allele origin: germline.
Comment: For these reasons, this variant has been classified as Pathogenic. This variant has not been reported in the literature in individuals with BCS1L-related conditions. This variant is not present in population databases (ExAC no frequency). This sequence change creates a premature translational stop signal (p.Tyr301*) in the BCS1L gene. It is expected to result in an absent or disrupted protein product. Loss-of-function variants in BCS1L are known to be pathogenic (PMID: 17314340, 25895478).

Literature cited by the submitters: PubMed 17314340 (cited by Labcorp Genetics (formerly Invitae), Labcorp); PubMed 25895478 (cited by Labcorp Genetics (formerly Invitae), Labcorp).

NM_001079866.2(BCS1L):c.903C>A (p.Tyr301Ter)

Gene: BCS1L (BCS1 ubiquinol-cytochrome c reductase complex chaperone; plus strand). Cytogenetic location: 2q35.
Variant type: single nucleotide variant.
Coding change: c.903C>A on transcript NM_001079866.2 (MANE Select); coding-DNA position 903, C replaced by A.
Protein change: p.Tyr301Ter; replaces tyrosine 301 with a stop codon.
Molecular consequence: nonsense. On other transcripts: non-coding transcript variant (1).
Genome position (GRCh38, 1-based): chr2:218,662,896, C>A. VCF-style: chr2-218662896-C-A. GRCh37 (hg19) VCF-style: chr2-219527619-C-A.
Other names: c.903C>A, p.Tyr301Ter (NM_001257342.2, NM_001257343.2, NM_001257344.2 and 10 more transcripts); c.543C>A, p.Tyr181Ter (NM_001318836.2, NM_001371451.1); c.402C>A, p.Tyr134Ter (NM_001371452.1, NM_001371453.1, NM_001371454.1 and 3 more transcripts); short protein forms Y181*, Y134*, Y301*.
Identifiers: ClinVar variation 1350830 (VCV001350830.9), dbSNP rs1939635954, ClinGen allele CA350630724.
Genomic context (GRCh38, chr2:218,662,896, plus strand): 5'-TGCTGGGCTATGACTACTCATGCTTCCTTATCTTTGCCTTCCTCCAGACCCAGTAAAGTA[C>A]CAAGGCCTAGGTCGCCTCACCTTCAGTGGACTGCTCAATGCCTTGGATGGTGTGGCTTCC-3'